The following is an entry in ClinVar:

ClinVar aggregate classification (germline): Uncertain significance. Review status: criteria provided, multiple submitters, no conflicts (2 of 4 stars). 2 submissions from 2 submitters: Uncertain significance (2). Last evaluated 2023-05-16.

Conditions:
Marfan syndrome (MFS). Also called: Marfan syndrome type 1; Marfan's syndrome; FBN1-Related Marfan Syndrome; MARFAN SYNDROME, TYPE I; Marfan syndrome, classic. Identifiers: Orphanet 284963, Orphanet 558, MedGen C0024796, MONDO:0007947, OMIM 154700.
Familial thoracic aortic aneurysm and aortic dissection (TAAD). Also called: Thoracic aortic aneurysms and dissections. Identifiers: Orphanet 91387, MedGen C4707243, MONDO:0019625.

gnomAD v4.1: 2 of 1,614,056 alleles (0.00012%); highest among the groups gnomAD compares: Non-Finnish European, 0.00017%; no homozygotes.

Submissions (2):

All of Us Research Program, National Institutes of Health
Classification: Uncertain significance for Marfan syndrome. Last evaluated: 2023-05-16. Review status: criteria provided, single submitter. Criteria: ACMG Guidelines, 2015. Collection method: clinical testing. Allele origin: germline. Inheritance: Autosomal dominant inheritance. Observed: 1 variant allele, 1 heterozygote.
Comment: This missense variant replaces alanine with aspartic acid at codon 2738 of the FBN1 protein. Computational prediction suggests that this variant may not impact protein structure and function (internally defined REVEL score threshold <= 0.5, PMID: 27666373). To our knowledge, functional studies have not been reported for this variant. This variant has not been reported in individuals affected with FBN1-related disorders in the literature. This variant has not been identified in the general population by the Genome Aggregation Database (gnomAD). The available evidence is insufficient to determine the role of this variant in disease conclusively. Therefore, this variant is classified as a Variant of Uncertain Significance.

This study involves interpretation of variants in research participants for the purpose of population health screening. Participant phenotype was not available at the time of variant classification. Additional details can be found in publication PMID: 35346344, PMCID: PMC8962531

Labcorp Genetics (formerly Invitae), Labcorp
Classification: Uncertain significance for Marfan syndrome; Familial thoracic aortic aneurysm and aortic dissection. Last evaluated: 2021-09-15. Review status: criteria provided, single submitter. Criteria: Invitae Variant Classification Sherloc (09022015). Collection method: clinical testing. Allele origin: germline.
Comment: This variant has not been reported in the literature in individuals affected with FBN1-related conditions. In summary, the available evidence is currently insufficient to determine the role of this variant in disease. Therefore, it has been classified as a Variant of Uncertain Significance. Advanced modeling of protein sequence and biophysical properties (such as structural, functional, and spatial information, amino acid conservation, physicochemical variation, residue mobility, and thermodynamic stability) performed at Invitae indicates that this missense variant is not expected to disrupt FBN1 protein function. This variant is not present in population databases (ExAC no frequency). This sequence change replaces alanine with aspartic acid at codon 2738 of the FBN1 protein (p.Ala2738Asp). The alanine residue is moderately conserved and there is a moderate physicochemical difference between alanine and aspartic acid.

NM_000138.5(FBN1):c.8213C>A (p.Ala2738Asp)

Gene: FBN1 (fibrillin 1; minus strand). Cytogenetic location: 15q21.1.
Variant type: single nucleotide variant.
Coding change: c.8213C>A on transcript NM_000138.5 (MANE Select); coding-DNA position 8213, C replaced by A.
Protein change: p.Ala2738Asp; replaces alanine 2738 with aspartic acid.
Molecular consequence: missense variant.
Genome position (GRCh38, 1-based): chr15:48,412,582, G>T on the plus strand (C>A on the coding strand, the complement: FBN1 is on the minus strand). VCF-style: chr15-48412582-G-T. GRCh37 (hg19) VCF-style: chr15-48704779-G-T.
Other names: short protein forms A2738D.
Identifiers: ClinVar variation 1358023 (VCV001358023.7), dbSNP rs2042871947, ClinGen allele CA392320706.